The following is an entry in ClinVar:

ClinVar aggregate classification (germline): Uncertain significance. Review status: criteria provided, multiple submitters, no conflicts (2 of 4 stars). 4 submissions from 4 submitters: Uncertain significance (3). 1 of the submissions does not count toward it. Last evaluated 2025-12-03.

Conditions:
Hereditary cancer-predisposing syndrome. Also called: Tumor predisposition; Hereditary neoplastic syndrome; Neoplastic Syndromes, Hereditary; Hereditary Cancer Syndrome. Identifiers: Orphanet 140162, MedGen C0027672, MeSH D009386, MONDO:0015356.
Ataxia-telangiectasia syndrome (AT). Also called: Ataxia-telangiectasia, complementation group D; AT, COMPLEMENTATION GROUP C; ATAXIA-TELANGIECTASIA, COMPLEMENTATION GROUP A; ATAXIA-TELANGIECTASIA, FRESNO VARIANT; Ataxia-telangiectasia; LOUIS-BAR SYNDROME. Identifiers: Orphanet 100, MedGen C0004135, MONDO:0008840, OMIM 208900.

Allele frequency attached by ClinVar (database versions not stated): gnomAD exomes below 0.00001.
gnomAD v4.1: 3 of 1,614,012 alleles (0.00019%); highest among the groups gnomAD compares: Non-Finnish European, 0.00017%; no homozygotes.

Submissions (4):

Labcorp Genetics (formerly Invitae), Labcorp
Classification: Uncertain significance for Ataxia-telangiectasia syndrome. Last evaluated: 2025-12-03. Review status: criteria provided, single submitter. Criteria: Invitae Variant Classification Sherloc (09022015). Collection method: clinical testing. Allele origin: germline.
Comment: This sequence change replaces threonine, which is neutral and polar, with methionine, which is neutral and non-polar, at codon 2348 of the ATM protein (p.Thr2348Met). This variant is not present in population databases (gnomAD no frequency). This variant has not been reported in the literature in individuals affected with ATM-related conditions. ClinVar contains an entry for this variant (Variation ID: 655318). Invitae Evidence Modeling of protein sequence and biophysical properties (such as structural, functional, and spatial information, amino acid conservation, physicochemical variation, residue mobility, and thermodynamic stability) has been performed for this missense variant. However, the output from this modeling did not meet the statistical confidence thresholds required to predict the impact of this variant on ATM protein function. In summary, the available evidence is currently insufficient to determine the role of this variant in disease. Therefore, it has been classified as a Variant of Uncertain Significance.

Ambry Genetics
Classification: Uncertain significance for Hereditary cancer-predisposing syndrome. Last evaluated: 2025-06-25. Review status: criteria provided, single submitter. Criteria: Ambry Variant Classification Scheme 2023. Collection method: clinical testing. Allele origin: germline.
Comment: The p.T2348M variant (also known as c.7043C>T), located in coding exon 47 of the ATM gene, results from a C to T substitution at nucleotide position 7043. The threonine at codon 2348 is replaced by methionine, an amino acid with similar properties. This amino acid position is highly conserved in available vertebrate species. In addition, this alteration is predicted to be deleterious by in silico analysis. Based on the available evidence, the clinical significance of this variant remains unclear.

Color Diagnostics, LLC DBA Color Health
Classification: Uncertain significance for Hereditary cancer-predisposing syndrome. Last evaluated: 2023-07-21. Review status: criteria provided, single submitter. Criteria: ACMG Guidelines, 2015. Collection method: clinical testing. Allele origin: germline.
Comment: This missense variant replaces threonine with methionine at codon 2348 of the ATM protein. Computational prediction is inconclusive regarding the impact of this variant on protein structure and function (internally defined REVEL score threshold 0.5 < inconclusive < 0.7, PMID: 27666373). To our knowledge, functional studies have not been reported for this variant. This variant has not been reported in individuals affected with ATM-related disorders in the literature. This variant has not been identified in the general population by the Genome Aggregation Database (gnomAD). The available evidence is insufficient to determine the role of this variant in disease conclusively. Therefore, this variant is classified as a Variant of Uncertain Significance.

Natera, Inc.
Classification: Uncertain significance for Ataxia-telangiectasia. Last evaluated: 2021-08-25. Review status: no assertion criteria provided. Collection method: clinical testing. Allele origin: germline. Not counted in ClinVar's aggregate classification.

NM_000051.4(ATM):c.7043C>T (p.Thr2348Met)

Genes: ATM (ATM serine/threonine kinase; plus strand), C11orf65 (chromosome 11 open reading frame 65; minus strand). Cytogenetic location: 11q22.3.
Variant type: single nucleotide variant.
Coding change: c.7043C>T on transcript NM_000051.4 (MANE Select); coding-DNA position 7043, C replaced by T.
Protein change: p.Thr2348Met; replaces threonine 2348 with methionine.
Molecular consequence: missense variant. On other transcripts: intron variant (2).
Genome position (GRCh38, 1-based): chr11:108,327,712, C>T. VCF-style: chr11-108327712-C-T. GRCh37 (hg19) VCF-style: chr11-108198439-C-T.
Other names: c.7043C>T, p.Thr2348Met (NM_001351834.2); c.641-18641G>A (NM_001330368.2); c.*38+7508G>A (NM_001351110.2); short protein forms T2348M.
Identifiers: ClinVar variation 655318 (VCV000655318.23), dbSNP rs866740291, ClinGen allele CA382558910.
Genomic context (GRCh38, chr11:108,327,712, plus strand): 5'-CCAGCCTAAAACTTACATACACAGAATGTCTGAGGGTTTGTGGCAACTGGTTAGCAGAAA[C>T]GTGCTTAGAAAATCCTGCGGTCATCATGCAGACCTATCTAGAAAAGGTAAGATTTTTGGA-3'
Protein context (NP_000042.3, residues 2338-2358): LRVCGNWLAE[Thr2348Met]CLENPAVIMQ